The following is an entry in ClinVar:

ClinVar aggregate classification (germline): Uncertain significance (1 of 4 stars; one submission).

Submission:

Labcorp Genetics (formerly Invitae), Labcorp
Classification: Uncertain significance. Last evaluated: 2022-11-06. Review status: criteria provided, single submitter. Criteria: Invitae Variant Classification Sherloc (09022015). Collection method: clinical testing. Allele origin: germline.
Comment: This sequence change replaces alanine, which is neutral and non-polar, with proline, which is neutral and non-polar, at codon 280 of the CREB3L3 protein (p.Ala280Pro). In summary, the available evidence is currently insufficient to determine the role of this variant in disease. Therefore, it has been classified as a Variant of Uncertain Significance. This variant has not been reported in the literature in individuals affected with CREB3L3-related conditions. This variant is not present in population databases (gnomAD no frequency). Advanced modeling of protein sequence and biophysical properties (such as structural, functional, and spatial information, amino acid conservation, physicochemical variation, residue mobility, and thermodynamic stability) performed at Invitae indicates that this missense variant is expected to disrupt CREB3L3 protein function.

NM_032607.3(CREB3L3):c.838G>C (p.Ala280Pro)

Gene: CREB3L3 (cAMP responsive element binding protein 3 like 3; plus strand). Cytogenetic location: 19p13.3.
Variant type: single nucleotide variant.
Coding change: c.838G>C on transcript NM_032607.3 (MANE Select); coding-DNA position 838, G replaced by C.
Protein change: p.Ala280Pro; replaces alanine 280 with proline.
Molecular consequence: missense variant.
Genome position (GRCh38, 1-based): chr19:4,170,156, G>C. VCF-style: chr19-4170156-G-C. GRCh37 (hg19) VCF-style: chr19-4170153-G-C.
Other names: c.835G>C, p.Ala279Pro (NM_001271995.2); c.832G>C, p.Ala278Pro (NM_001271996.2); c.731G>C, p.Cys244Ser (NM_001271997.2); short protein forms C244S, A278P, A279P, A280P.
Identifiers: ClinVar variation 3016972 (VCV003016972.3), dbSNP rs2512358602, ClinGen allele CA403407212.